The following is an entry in ClinVar:

ClinVar aggregate classification (germline): Uncertain significance (1 of 4 stars; one submission).

gnomAD v4.1: 4 of 1,613,726 alleles (0.00025%); highest among the groups gnomAD compares: South Asian, 0.0044%; no homozygotes.

Submission:

Athena Diagnostics
Classification: Uncertain significance. Last evaluated: 2025-08-11. Review status: criteria provided, single submitter. Criteria: Athena Diagnostics Criteria. Collection method: clinical testing. Allele origin: unknown.
Comment: Available data are insufficient to determine the clinical significance of the variant at this time. This variant has not been reported in large, multi-ethnic general populations. Polyphen and MutationTaster predict this amino acid change may be benign.

NM_015046.7(SETX):c.2014A>T (p.Asn672Tyr)

Gene: SETX (senataxin; minus strand). Cytogenetic location: 9q34.13.
Variant type: single nucleotide variant.
Coding change: c.2014A>T on transcript NM_015046.7 (MANE Select); coding-DNA position 2014, A replaced by T.
Protein change: p.Asn672Tyr; replaces asparagine 672 with tyrosine.
Molecular consequence: missense variant.
Genome position (GRCh38, 1-based): chr9:132,329,584, T>A on the plus strand (A>T on the coding strand, the complement: SETX is on the minus strand). VCF-style: chr9-132329584-T-A. GRCh37 (hg19) VCF-style: chr9-135204971-T-A.
Other names: c.2014A>T, p.Asn672Tyr (NM_001351527.2, NM_001351528.2); short protein forms N672Y.
Identifiers: ClinVar variation 4682380 (VCV004682380.1).